The following is an entry in ClinVar:

NM_020975.6(RET):c.391T>A (p.Ser131Thr)

Gene: RET (ret proto-oncogene; plus strand). Cytogenetic location: 10q11.21.
Variant type: single nucleotide variant.
Coding change: c.391T>A on transcript NM_020975.6 (MANE Select); coding-DNA position 391, T replaced by A.
Protein change: p.Ser131Thr; replaces serine 131 with threonine.
Molecular consequence: missense variant. On other transcripts: intron variant (22).
Genome position (GRCh38, 1-based): chr10:43,102,395, T>A. VCF-style: chr10-43102395-T-A. GRCh37 (hg19) VCF-style: chr10-43597843-T-A.
Other names: c.391T>A, p.Ser131Thr (NM_001406743.1, NM_001406744.1, NM_001406759.1 and 14 more transcripts); c.338-76T>A (NM_001406764.1, NM_001406762.1, NM_001406761.1 and 4 more transcripts); c.337+1673T>A (NM_001406770.1, NM_001406766.1, NM_001406767.1 and 8 more transcripts); c.74-6636T>A (NM_001406784.1); c.74-9704T>A (NM_001406794.1, NM_001406792.1, NM_001406793.1); short protein forms S131T.
Identifiers: ClinVar variation 3432260 (VCV003432260.2).

ClinVar aggregate classification (germline): Uncertain significance. Review status: criteria provided, multiple submitters, no conflicts (2 of 4 stars). 2 submissions from 2 submitters: Uncertain significance (2). Last evaluated 2025-03-05.

Conditions:
Hereditary cancer-predisposing syndrome. Also called: Neoplastic Syndromes, Hereditary; Tumor predisposition; Hereditary Cancer Syndrome; Hereditary neoplastic syndrome. Identifiers: Orphanet 140162, MedGen C0027672, MeSH D009386, MONDO:0015356.
Multiple endocrine neoplasia, type 2 (MEN2). Identifiers: Orphanet 653, MedGen C4048306, MONDO:0019003. Disease mechanism: gain of function.

Submissions (2):

Labcorp Genetics (formerly Invitae), Labcorp
Classification: Uncertain significance for Multiple endocrine neoplasia, type 2. Last evaluated: 2025-03-05. Review status: criteria provided, single submitter. Criteria: Invitae Variant Classification Sherloc (09022015). Collection method: clinical testing. Allele origin: germline.
Comment: This sequence change replaces serine, which is neutral and polar, with threonine, which is neutral and polar, at codon 131 of the RET protein (p.Ser131Thr). This variant is not present in population databases (gnomAD no frequency). This variant has not been reported in the literature in individuals affected with RET-related conditions. ClinVar contains an entry for this variant (Variation ID: 3432260). An algorithm developed to predict the effect of missense changes on protein structure and function outputs the following: PolyPhen-2: "Benign". The threonine amino acid residue is found in multiple mammalian species, which suggests that this missense change does not adversely affect protein function. In summary, the available evidence is currently insufficient to determine the role of this variant in disease. Therefore, it has been classified as a Variant of Uncertain Significance.

Ambry Genetics
Classification: Uncertain significance for Hereditary cancer-predisposing syndrome. Last evaluated: 2024-09-16. Review status: criteria provided, single submitter. Criteria: Ambry Variant Classification Scheme 2023. Collection method: clinical testing. Allele origin: germline.
Comment: The p.S131T variant (also known as c.391T>A), located in coding exon 3 of the RET gene, results from a T to A substitution at nucleotide position 391. The serine at codon 131 is replaced by threonine, an amino acid with similar properties. This amino acid position is conserved. In addition, this alteration is predicted to be tolerated by in silico analysis. Based on the available evidence, the clinical significance of this variant remains unclear.